The following is an entry in ClinVar:

NM_001164508.2(NEB):c.11132A>T (p.Asp3711Val)

Gene: NEB (nebulin; minus strand). Cytogenetic location: 2q23.3.
Variant type: single nucleotide variant.
Coding change: c.11132A>T on transcript NM_001164508.2 (MANE Select); coding-DNA position 11132, A replaced by T.
Protein change: p.Asp3711Val; replaces aspartic acid 3711 with valine.
Molecular consequence: missense variant.
Genome position (GRCh38, 1-based): chr2:151,617,413, T>A on the plus strand (A>T on the coding strand, the complement: NEB is on the minus strand). VCF-style: chr2-151617413-T-A. GRCh37 (hg19) VCF-style: chr2-152473927-T-A.
Other names: c.11132A>T, p.Asp3711Val (NM_001164507.2, NM_001271208.2); c.10403A>T, p.Asp3468Val (NM_004543.5); short protein forms D3468V, D3711V.
Identifiers: ClinVar variation 1937923 (VCV001937923.2), dbSNP rs746519954, ClinGen allele CA1908833.

ClinVar aggregate classification (germline): Uncertain significance (1 of 4 stars; one submission).

Conditions:
Nemaline myopathy 2 (NEM2). Also called: Nemaline myopathy 2, autosomal recessive. Identifiers: MedGen C1850569, MONDO:0009725, OMIM 256030.

Allele frequency attached by ClinVar (database versions not stated): gnomAD exomes below 0.00001; TOPMed below 0.00001.
gnomAD v4.1: 3 of 1,569,446 alleles (0.00019%); highest among the groups gnomAD compares: South Asian, 0.0023%; no homozygotes.

Submission:

Labcorp Genetics (formerly Invitae), Labcorp
Classification: Uncertain significance for Nemaline myopathy 2. Last evaluated: 2021-03-24. Review status: criteria provided, single submitter. Criteria: Invitae Variant Classification Sherloc (09022015). Collection method: clinical testing. Allele origin: germline.
Comment: This sequence change replaces aspartic acid with valine at codon 3711 of the NEB protein (p.Asp3711Val). The aspartic acid residue is moderately conserved and there is a large physicochemical difference between aspartic acid and valine. This variant is present in population databases (rs746519954, ExAC 0.1%). This variant has not been reported in the literature in individuals with NEB-related conditions. Algorithms developed to predict the effect of missense changes on protein structure and function are either unavailable or do not agree on the potential impact of this missense change (SIFT: "Deleterious"; PolyPhen-2: "Not Available"; Align-GVGD: "Class C0"). In summary, the available evidence is currently insufficient to determine the role of this variant in disease. Therefore, it has been classified as a Variant of Uncertain Significance.